The following is an entry in ClinVar:

NM_017617.5(NOTCH1):c.6180+6C>T

Genes: NOTCH1 (notch receptor 1; minus strand), LOC126860794 (BRD4-independent group 4 enhancer GRCh37_chr9:139392592-139393791; plus strand). Cytogenetic location: 9q34.3.
Variant type: single nucleotide variant.
Coding change: c.6180+6C>T on transcript NM_017617.5 (MANE Select); 6 bases into the intron after coding-DNA position 6180, C replaced by T.
Molecular consequence: intron variant.
Genome position (GRCh38, 1-based): chr9:136,498,893, G>A on the plus strand (C>T on the coding strand, the complement: NOTCH1 is on the minus strand). VCF-style: chr9-136498893-G-A. GRCh37 (hg19) VCF-style: chr9-139393345-G-A.
Identifiers: ClinVar variation 2038860 (VCV002038860.4), dbSNP rs577581469, ClinGen allele CA5340002.

ClinVar aggregate classification (germline): Uncertain significance (1 of 4 stars; one submission).

Conditions:
Adams-Oliver syndrome 5 (AOS5). Identifiers: Orphanet 974, MedGen C4014970, MONDO:0014459, OMIM 616028.

Allele frequency attached by ClinVar (database versions not stated): gnomAD 0.00001; ExAC 0.00002; gnomAD exomes 0.00002; 1000 Genomes Project 0.00020; 1000 Genomes Project 30x 0.00031.
gnomAD v4.1: 32 of 1,613,344 alleles (0.002%); highest among the groups gnomAD compares: South Asian, 0.023%; no homozygotes.

Submission:

Labcorp Genetics (formerly Invitae), Labcorp
Classification: Uncertain significance for Adams-Oliver syndrome 5. Last evaluated: 2025-03-04. Review status: criteria provided, single submitter. Criteria: Invitae Variant Classification Sherloc (09022015). Collection method: clinical testing. Allele origin: germline.
Comment: This sequence change falls in intron 33 of the NOTCH1 gene. It does not directly change the encoded amino acid sequence of the NOTCH1 protein. It affects a nucleotide within the consensus splice site. This variant is present in population databases (rs577581469, gnomAD 0.01%). This variant has not been reported in the literature in individuals affected with NOTCH1-related conditions. ClinVar contains an entry for this variant (Variation ID: 2038860). Variants that disrupt the consensus splice site are a relatively common cause of aberrant splicing (PMID: 17576681, 9536098). Algorithms developed to predict the effect of sequence changes on RNA splicing suggest that this variant is not likely to affect RNA splicing. In summary, the available evidence is currently insufficient to determine the role of this variant in disease. Therefore, it has been classified as a Variant of Uncertain Significance.

Literature cited by the submitters: PubMed 17576681; PubMed 9536098.